The following is an entry in ClinVar:

ClinVar aggregate classification (germline): Uncertain significance. Review status: criteria provided, multiple submitters, no conflicts (2 of 4 stars). 2 submissions from 2 submitters: Uncertain significance (2). Last evaluated 2024-01-23.

Conditions:
Hereditary cancer. Identifiers: MedGen C1333600.
Hereditary cancer-predisposing syndrome. Also called: Hereditary Cancer Syndrome; Hereditary neoplastic syndrome; Neoplastic Syndromes, Hereditary; Tumor predisposition. Identifiers: Orphanet 140162, MedGen C0027672, MeSH D009386, MONDO:0015356.

Submissions (2):

Mendelics
Classification: Uncertain significance for Hereditary cancer. Last evaluated: 2024-01-23. Review status: criteria provided, single submitter. Criteria: ACMG Guidelines, 2015. Collection method: clinical testing. Allele origin: unknown.

Ambry Genetics
Classification: Uncertain significance for Hereditary cancer-predisposing syndrome. Last evaluated: 2022-04-22. Review status: criteria provided, single submitter. Criteria: Ambry Variant Classification Scheme 2023. Collection method: clinical testing. Allele origin: germline.
Comment: The p.P514L variant (also known as c.1541C>T), located in coding exon 4 of the MET gene, results from a C to T substitution at nucleotide position 1541. The proline at codon 514 is replaced by leucine, an amino acid with similar properties. This amino acid position is conserved. In addition, the in silico prediction for this alteration is inconclusive. Since supporting evidence is limited at this time, the clinical significance of this alteration remains unclear.

NM_000245.4(MET):c.1541C>T (p.Pro514Leu)

Gene: MET (MET proto-oncogene, receptor tyrosine kinase; plus strand). Cytogenetic location: 7q31.2.
Variant type: single nucleotide variant.
Coding change: c.1541C>T on transcript NM_000245.4 (MANE Select); coding-DNA position 1541, C replaced by T.
Protein change: p.Pro514Leu; replaces proline 514 with leucine.
Molecular consequence: missense variant.
Genome position (GRCh38, 1-based): chr7:116,740,865, C>T. VCF-style: chr7-116740865-C-T. GRCh37 (hg19) VCF-style: chr7-116380919-C-T.
Other names: c.1541C>T, p.Pro514Leu (NM_001127500.3, NM_001324401.3); c.251C>T, p.Pro84Leu (NM_001324402.2); short protein forms P84L, P514L.
Identifiers: ClinVar variation 1774857 (VCV001774857.3), dbSNP rs1793418567, ClinGen allele CA368975006.
Genomic context (GRCh38, chr7:116,740,865, plus strand): 5'-AAACTAGATACCCCTCTGGAAGCTCTTTCCACCCCTTCTCTTCACAGATCACGAAGATCC[C>T]ATTGAATGGCTTGGGCTGCAGACATTTCCAGTCCTGCAGTCAATGCCTCTCTGCCCCACC-3'
Protein context (NP_000236.2, residues 504-524): VITGKKITKI[Pro514Leu]LNGLGCRHFQ